The following is an entry in ClinVar:

NM_002742.3(PRKD1):c.2173C>T (p.Leu725Phe)

Gene: PRKD1 (protein kinase D1; minus strand). Cytogenetic location: 14q12.
Variant type: single nucleotide variant.
Coding change: c.2173C>T on transcript NM_002742.3 (MANE Select); coding-DNA position 2173, C replaced by T.
Protein change: p.Leu725Phe; replaces leucine 725 with phenylalanine.
Molecular consequence: missense variant.
Genome position (GRCh38, 1-based): chr14:29,597,752, G>A on the plus strand (C>T on the coding strand, the complement: PRKD1 is on the minus strand). VCF-style: chr14-29597752-G-A. GRCh37 (hg19) VCF-style: chr14-30066958-G-A.
Other names: c.2197C>T, p.Leu733Phe (NM_001330069.2); c.1909C>T, p.Leu637Phe (NM_001348390.1); short protein forms L637F, L725F, L733F.
Identifiers: ClinVar variation 1712698 (VCV001712698.3), dbSNP rs2502443964, ClinGen allele CA389331959.
Genomic context (GRCh38, chr14:29,597,752, plus strand): 5'-CCACCACTGACCTCCGGAAAGACTTCTCTCCAATGATCCGGGCAAAACCAAAATCACAAA[G>A]TTTCACCTGTTGATGAAAGGATTTGCAGAAATACTCCGTTCACAATTGTGTGTCTGTGTG-3'
Protein context (NP_002733.2, residues 715-735): ASADPFPQVK[Leu725Phe]CDFGFARIIG

ClinVar aggregate classification (germline): Uncertain significance (1 of 4 stars; one submission).

Submission:

GeneDx
Classification: Uncertain significance. Last evaluated: 2026-01-16. Review status: criteria provided, single submitter. Criteria: GeneDx Variant Classification Process June 2021. Collection method: clinical testing. Allele origin: germline.
Comment: Not observed at significant frequency in large population cohorts (gnomAD); In silico analysis supports that this missense variant has a deleterious effect on protein structure/function; Has not been previously published as pathogenic or benign to our knowledge.